The following is an entry in ClinVar:

NM_024570.4(RNASEH2B):c.565G>T (p.Val189Leu)

Gene: RNASEH2B (ribonuclease H2 subunit B; plus strand). Cytogenetic location: 13q14.3.
Variant type: single nucleotide variant.
Coding change: c.565G>T on transcript NM_024570.4 (MANE Select); coding-DNA position 565, G replaced by T.
Protein change: p.Val189Leu; replaces valine 189 with leucine.
Molecular consequence: missense variant.
Genome position (GRCh38, 1-based): chr13:50,945,481, G>T. VCF-style: chr13-50945481-G-T. GRCh37 (hg19) VCF-style: chr13-51519617-G-T.
Other names: c.565G>T, p.Val189Leu (NM_001142279.2); short protein forms V189L.
Identifiers: ClinVar variation 1385978 (VCV001385978.4), dbSNP rs1951889253, ClinGen allele CA388259650.

ClinVar aggregate classification (germline): Uncertain significance (1 of 4 stars; one submission).

Conditions:
Aicardi-Goutieres syndrome 2. Identifiers: Orphanet 51, MedGen C3489724, MONDO:0012429, OMIM 610181.

Allele frequency attached by ClinVar (database versions not stated): TOPMed 0.00001.
gnomAD v4.1: 1 of 1,613,806 alleles (0.000062%); no homozygotes.

Submission:

Labcorp Genetics (formerly Invitae), Labcorp
Classification: Uncertain significance for Aicardi-Goutieres syndrome 2. Last evaluated: 2022-09-01. Review status: criteria provided, single submitter. Criteria: Invitae Variant Classification Sherloc (09022015). Collection method: clinical testing. Allele origin: germline.
Comment: This variant is not present in population databases (gnomAD no frequency). In summary, the available evidence is currently insufficient to determine the role of this variant in disease. Therefore, it has been classified as a Variant of Uncertain Significance. Algorithms developed to predict the effect of missense changes on protein structure and function (SIFT, PolyPhen-2, Align-GVGD) all suggest that this variant is likely to be tolerated. ClinVar contains an entry for this variant (Variation ID: 1385978). This variant has not been reported in the literature in individuals affected with RNASEH2B-related conditions. This sequence change replaces valine, which is neutral and non-polar, with leucine, which is neutral and non-polar, at codon 189 of the RNASEH2B protein (p.Val189Leu).